The following is an entry in ClinVar:

ClinVar aggregate classification (germline): Uncertain significance. Review status: criteria provided, multiple submitters, no conflicts (2 of 4 stars). 2 submissions from 2 submitters: Uncertain significance (2). Last evaluated 2025-04-11.

gnomAD v4.1: 2 of 1,614,210 alleles (0.00012%); highest among the groups gnomAD compares: Non-Finnish European, 0.00017%; no homozygotes.

Submissions (3):

Ambry Genetics
Classification: Uncertain significance. Last evaluated: 2025-04-11. Review status: criteria provided, single submitter. Criteria: Ambry Variant Classification Scheme 2023. Collection method: clinical testing. Allele origin: germline.
Comment: The c.2055G>A variant (also known as p.E685E), located in coding exon 11 of the ATRIP gene, results from a G to A substitution at nucleotide position 2055. This nucleotide substitution does not change the amino acid at codon 685. However, this change occurs in the last base pair of coding exon 11, which makes it likely to have some effect on normal mRNA splicing. This nucleotide position is well conserved in available vertebrate species. In silico splice site analysis predicts that this alteration will weaken the native splice donor site. The evidence for this gene-disease relationship is limited; therefore, the clinical significance of this alteration is unclear.

Labcorp Genetics (formerly Invitae), Labcorp
Classification: Uncertain significance. Last evaluated: 2025-03-30. Review status: criteria provided, single submitter. Criteria: Invitae Variant Classification Sherloc (09022015). Collection method: clinical testing. Allele origin: germline.
Comment: This sequence change affects codon 685 of the ATRIP mRNA. It is a 'silent' change, meaning that it does not change the encoded amino acid sequence of the ATRIP protein. This variant also falls at the last nucleotide of exon 11, which is part of the consensus splice site for this exon. This variant is present in population databases (rs765661136, gnomAD 0.002%). This variant has not been reported in the literature in individuals affected with ATRIP-related conditions. Variants that disrupt the consensus splice site are a relatively common cause of aberrant splicing (PMID: 17576681, 9536098). Algorithms developed to predict the effect of sequence changes on RNA splicing suggest that this variant may disrupt the consensus splice site. In summary, the available evidence is currently insufficient to determine the role of this variant in disease. Therefore, it has been classified as a Variant of Uncertain Significance.

Dr. Peter K. Rogan Lab, Western University
No classification provided (evidence only). Condition: Familial cancer of breast. Review status: no classification provided. Collection method: in vitro. Allele origin: not applicable. Functional consequence: skipped exon, retained intron. Not counted in ClinVar's aggregate classification.

Literature cited by the submitters: PubMed 17576681 (cited by Labcorp Genetics (formerly Invitae), Labcorp); PubMed 9536098 (cited by Labcorp Genetics (formerly Invitae), Labcorp).

NM_130384.3(ATRIP):c.2055G>A (p.Glu685=)

Genes: ATRIP (ATR interacting protein; plus strand), ATRIP-TREX1 (ATRIP-TREX1 readthrough; plus strand). Cytogenetic location: 3p21.31.
Variant type: single nucleotide variant.
Coding change: c.2055G>A on transcript NM_130384.3 (MANE Select); coding-DNA position 2055, G replaced by A.
Protein change: p.Glu685=; no amino-acid change (glutamic acid 685 retained).
Molecular consequence: synonymous variant. On other transcripts: non-coding transcript variant (1), intron variant (1).
Genome position (GRCh38, 1-based): chr3:48,464,662, G>A. VCF-style: chr3-48464662-G-A. GRCh37 (hg19) VCF-style: chr3-48506061-G-A.
Other names: NC_000003.11:g.48506061G>A; c.1674G>A, p.Glu558= (NM_001271022.2); c.1776G>A, p.Glu592= (NM_001271023.2); c.1975-169G>A (NM_032166.4).
Identifiers: ClinVar variation 3975472 (VCV003975472.3).